The following is an entry in ClinVar:

NM_001164508.2(NEB):c.25542C>T (p.Thr8514=)

Genes: NEB (nebulin; minus strand), RIF1 (replication timing regulatory factor 1; plus strand). Cytogenetic location: 2q23.3.
Variant type: single nucleotide variant.
Coding change: c.25542C>T on transcript NM_001164508.2 (MANE Select); coding-DNA position 25542, C replaced by T.
Protein change: p.Thr8514=; no amino-acid change (threonine 8514 retained).
Molecular consequence: synonymous variant.
Genome position (GRCh38, 1-based): chr2:151,485,796, G>A on the plus strand (C>T on the coding strand, the complement: NEB is on the minus strand). VCF-style: chr2-151485796-G-A. GRCh37 (hg19) VCF-style: chr2-152342310-G-A.
Other names: c.25542C>T, p.Thr8514= (NM_001164507.2); c.25647C>T, p.Thr8549= (NM_001271208.2); c.19974C>T, p.Thr6658= (NM_004543.5).
Identifiers: ClinVar variation 194578 (VCV000194578.22), dbSNP rs3821324, ClinGen allele CA201243.

ClinVar aggregate classification (germline): Benign. Review status: criteria provided, multiple submitters, no conflicts (2 of 4 stars). 7 submissions from 7 submitters: Benign (7). Last evaluated 2026-02-04.

Conditions:
Nemaline myopathy 2 (NEM2). Also called: Nemaline myopathy 2, autosomal recessive. Identifiers: MedGen C1850569, MONDO:0009725, OMIM 256030.

Allele frequency attached by ClinVar (database versions not stated): ESP Exome Variant Server 0.00032; gnomAD 0.00183 and 0.00236; TOPMed 0.00321; ExAC 0.00492; 1000 Genomes Project 30x 0.00999; 1000 Genomes Project 0.01118.
gnomAD v4.1: 2,718 of 1,612,818 alleles (0.17%); highest among the groups gnomAD compares: East Asian, 3.3%; 41 homozygotes.

Submissions (7):

Labcorp Genetics (formerly Invitae), Labcorp
Classification: Benign for Nemaline myopathy 2. Last evaluated: 2026-02-04. Review status: criteria provided, single submitter. Criteria: Invitae Variant Classification Sherloc (09022015). Collection method: clinical testing. Allele origin: germline.

Athena Diagnostics
Classification: Benign. Last evaluated: 2025-05-09. Review status: criteria provided, single submitter. Criteria: Athena Diagnostics Criteria. Collection method: clinical testing. Allele origin: unknown.
Comment: The frequency of this variant in the general population is higher than would generally be expected for pathogenic variants in this gene. Computational tools yielded predictions that this variant is unlikely to have an effect on normal RNA splicing. This nucleotide position exhibits low evolutionary conservation.

Illumina Laboratory Services, Illumina
Classification: Benign for Nemaline myopathy 2. Last evaluated: 2018-01-13. Review status: criteria provided, single submitter. Criteria: ICSL Variant Classification Criteria 13 December 2019. Collection method: clinical testing. Allele origin: germline.
Comment: This variant was observed in the ICSL laboratory as part of a predisposition screen in an ostensibly healthy population. It had not been previously curated by ICSL or reported in the Human Gene Mutation Database (HGMD: prior to June 1st, 2018), and was therefore a candidate for classification through an automated scoring system. Utilizing variant allele frequency, disease prevalence and penetrance estimates, and inheritance mode, an automated score was calculated to assess if this variant is too frequent to cause the disease. Based on the score and internal cut-off values, a variant classified as benign is not then subjected to further curation. The score for this variant resulted in a classification of benign for this disease.

Women's Health and Genetics/Laboratory Corporation of America, LabCorp
Classification: Benign. Last evaluated: 2017-04-24. Review status: criteria provided, single submitter. Criteria: LabCorp Variant Classification Summary - May 2015. Collection method: clinical testing. Allele origin: germline.
Comment: Variant summary: The c.25647C>T (p.Thr8549=) in NEB gene is a synonymous change that involves a non-conserved nucleotide. 5/5 programs in Alamut predict that this variant does not affect a normal splicing, however no functional studies supporting this notion were published at the time of evaluation. The variant is present in control population dataset of ExAC at a frequency of 0.0049 (593/120504 chrs tested), predominantly in individuals of East Asian descent (0.047; 403/8622chrs tested, including 12 homozygotes). These frequencies exceed the estimated maximal expected allele frequency of a pathogenic variant in NEB gene (0.0035). Lastly, multiple reputable databases/diagnostic centers classified the variant of interest as Benign. Taking together, the variant was classified as Benign.

GeneDx
Classification: Benign. Last evaluated: 2016-07-08. Review status: criteria provided, single submitter. Criteria: GeneDx Variant Classification (06012015). Collection method: clinical testing. Allele origin: germline. Affected: yes.
Comment: This variant is considered likely benign or benign based on one or more of the following criteria: it is a conservative change, it occurs at a poorly conserved position in the protein, it is predicted to be benign by multiple in silico algorithms, and/or has population frequency not consistent with disease.

Eurofins Ntd Llc (ga)
Classification: Benign. Last evaluated: 2015-02-13. Review status: criteria provided, single submitter. Criteria: EGL Classification Definitions 2015. Collection method: clinical testing. Allele origin: germline. Observed: 1 variant allele, 1 heterozygote.

PreventionGenetics, part of Exact Sciences
Classification: Benign. Review status: criteria provided, single submitter. Criteria: ACMG Guidelines, 2015. Collection method: clinical testing. Allele origin: germline.